The following is an entry in ClinVar:

ClinVar aggregate classification (germline): Likely pathogenic (1 of 4 stars; one submission).

Conditions:
Ehlers-Danlos syndrome, musculocontractural type 1. Identifiers: MedGen CN295219, MONDO:0020681, OMIM 601776.

Submission:

Kasturba Medical College, Manipal, Kasturba Medical College, Manipal, Manipal Academy of Higher Education, Manipal, India
Classification: Likely pathogenic for Ehlers-Danlos syndrome, musculocontractural type 1. Review status: criteria provided, single submitter. Criteria: ACMG Guidelines, 2015. Collection method: research. Allele origin: biparental. Inheritance: Autosomal recessive inheritance. Affected: yes. Observed: 1 hemizygote.
Comment: The above-mentioned variant is not present in the gnomAD population database and our in-house exome data of 3145 individuals. In silico tool Mutation Taster predicts the variant to be disease-causing, resulting in the formation of truncating or non-functional protein. Thus, the above-mentioned findings confirm the diagnosis of Ehlers-Danlos syndrome, musculocontractural type 1 in Keerthana.

NM_130468.4(CHST14):c.870_871delinsT (p.Val291fs)

Gene: CHST14 (carbohydrate sulfotransferase 14; plus strand). Cytogenetic location: 15q15.1.
Variant type: Indel.
Coding change: c.870_871delinsT on transcript NM_130468.4 (MANE Select); coding-DNA positions 870 to 871, CG replaced by T.
Protein change: p.Val291fs; shifts the reading frame from valine 291.
Molecular consequence: frameshift variant.
Genome position (GRCh38, 1-based): chr15:40,472,083-40,472,084, CG replaced by T. VCF-style: chr15-40472083-CG-T. GRCh37 (hg19) VCF-style: chr15-40764282-CG-T.
Other names: short protein forms V291fs.
Identifiers: ClinVar variation 3900616 (VCV003900616.1).